The following is an entry in ClinVar:

NM_152703.5(SAMD9L):c.357T>G (p.Ile119Met)

Gene: SAMD9L (sterile alpha motif domain containing 9 like; minus strand). Cytogenetic location: 7q21.2.
Variant type: single nucleotide variant.
Coding change: c.357T>G on transcript NM_152703.5 (MANE Select); coding-DNA position 357, T replaced by G.
Protein change: p.Ile119Met; replaces isoleucine 119 with methionine.
Molecular consequence: missense variant.
Genome position (GRCh38, 1-based): chr7:93,135,615, A>C on the plus strand (T>G on the coding strand, the complement: SAMD9L is on the minus strand). VCF-style: chr7-93135615-A-C. GRCh37 (hg19) VCF-style: chr7-92764928-A-C.
Other names: c.357T>G, p.Ile119Met (NM_001303496.3, NM_001303497.3, NM_001303498.3 and 5 more transcripts); short protein forms I119M.
Identifiers: ClinVar variation 4159359 (VCV004159359.1).

ClinVar aggregate classification (germline): Uncertain significance (1 of 4 stars; one submission).

Conditions:
Inborn genetic diseases. Identifiers: MedGen C0950123, MeSH D030342.

Submission:

Ambry Genetics
Classification: Uncertain significance for Inborn genetic diseases. Last evaluated: 2025-07-28. Review status: criteria provided, single submitter. Criteria: Ambry Variant Classification Scheme 2023. Collection method: clinical testing. Allele origin: germline.
Comment: The p.I119M variant (also known as c.357T>G), located in coding exon 1 of the SAMD9L gene, results from a T to G substitution at nucleotide position 357. The isoleucine at codon 119 is replaced by methionine, an amino acid with highly similar properties. This amino acid position is conserved. In addition, this alteration is predicted to be tolerated by in silico analysis. Based on the available evidence, the clinical significance of this variant remains unclear.